The following is an entry in ClinVar:

NM_000094.4(COL7A1):c.341G>T (p.Gly114Val)

Gene: COL7A1 (collagen type VII alpha 1 chain; minus strand). Cytogenetic location: 3p21.31.
Variant type: single nucleotide variant.
Coding change: c.341G>T on transcript NM_000094.4 (MANE Select); coding-DNA position 341, G replaced by T.
Protein change: p.Gly114Val; replaces glycine 114 with valine.
Molecular consequence: missense variant.
Genome position (GRCh38, 1-based): chr3:48,593,622, C>A on the plus strand (G>T on the coding strand, the complement: COL7A1 is on the minus strand). VCF-style: chr3-48593622-C-A. GRCh37 (hg19) VCF-style: chr3-48631055-C-A.
Other names: short protein forms G114V.
Identifiers: ClinVar variation 2203388 (VCV002203388.6), dbSNP rs763402171, ClinGen allele CA352748466.

ClinVar aggregate classification (germline): Conflicting classifications of pathogenicity. Review status: criteria provided, conflicting classifications (1 of 4 stars). 3 submissions from 3 submitters: Likely pathogenic (1); Uncertain significance (2). Last evaluated 2026-08-14.

Conditions:
Epidermolysis bullosa dystrophica. Also called: Dystrophic epidermolysis bullosa, Hallopeau-Siemens type (formerly); Dystrophic epidermolysis bullosa. Identifiers: Orphanet 303, MedGen C0079294, MONDO:0006543.
Recessive dystrophic epidermolysis bullosa (RDEB). Also called: severe generalized recessive dystrophic epidermolysis bullosa; epidermolysis bullosa dystrophica, autosomal recessive; EPIDERMOLYSIS BULLOSA DYSTROPHICA, GENERALIZED SEVERE, AUTOSOMAL RECESSIVE; Epidermolysis Bullosa Distrophica Autosomal Recessive (RDEB); Recessive DEB (RDEB); DYSTROPHIC EPIDERMOLYSIS BULLOSA, AUTOSOMAL RECESSIVE. Identifiers: Orphanet 79408, Orphanet 79409, MedGen C0079474, MONDO:0009179, OMIM 226600.

gnomAD v4.1: 1 of 1,614,196 alleles (0.000062%); highest among the groups gnomAD compares: East Asian, 0.0022%; no homozygotes.

Submissions (3):

Myriad Genetics, Inc.
Classification: Uncertain significance for Recessive dystrophic epidermolysis bullosa. Last evaluated: 2026-08-14. Review status: criteria provided, single submitter. Criteria: Myriad Autosomal Dominant, Autosomal Recessive and X-Linked Classification Criteria (2023). Collection method: clinical testing. Allele origin: unknown.
Comment: NM_000094.3(COL7A1):c.341G>T(G114V) is a missense variant classified as a variant of uncertain significance in the context of dystrophic epidermolysis bullosa. G114V has been observed in cases with relevant disease (PMID: 15816848, 35690907). Relevant functional assessments of this variant are available in the literature (PMID: 15816848). G114V has not been observed in referenced population frequency databases. In summary, there is insufficient evidence to classify NM_000094.3(COL7A1):c.341G>T(G114V) as pathogenic or benign. Please note: this variant was assessed in the context of healthy population screening.

Natera, Inc.
Classification: Likely pathogenic for Dystrophic epidermolysis bullosa. Last evaluated: 2025-07-03. Review status: criteria provided, single submitter. Criteria: Natera Variant Classification Schema (03/2026). Collection method: clinical testing. Allele origin: germline.
Comment: The c.341G>T variant in COL7A1 is a missense variant predicted to cause substitution of glycine to valine at amino acid 114. This variant is rare in the general population with a frequency below the threshold expected for the associated phenotype(s). This variant has been observed in one or more individuals affected with the associated recessive disease, as either homozygous or compound heterozygous with a second variant (PMID: 35690907, 15816848). Functional studies show that this variant may disrupt protein function (PMID: 15816848). Computational prediction algorithms indicate this variant is likely to affect gene or protein function. Given the available evidence, this variant is classified as Likely Pathogenic.

Labcorp Genetics (formerly Invitae), Labcorp
Classification: Uncertain significance. Last evaluated: 2025-04-07. Review status: criteria provided, single submitter. Criteria: Invitae Variant Classification Sherloc (09022015). Collection method: clinical testing. Allele origin: germline.
Comment: This sequence change replaces glycine, which is neutral and non-polar, with valine, which is neutral and non-polar, at codon 114 of the COL7A1 protein (p.Gly114Val). RNA analysis indicates that this missense change induces altered splicing and likely results in the loss of 29 amino acid residue(s), but is expected to preserve the integrity of the reading-frame. This variant is not present in population databases (gnomAD no frequency). This missense change has been observed in individual(s) with autosomal recessive dystrophic epidermolysis bullosa (PMID: 15816848). In at least one individual the data is consistent with being in trans (on the opposite chromosome) from a pathogenic variant. ClinVar contains an entry for this variant (Variation ID: 2203388). Invitae Evidence Modeling of protein sequence and biophysical properties (such as structural, functional, and spatial information, amino acid conservation, physicochemical variation, residue mobility, and thermodynamic stability) has been performed for this missense variant. However, the output from this modeling did not meet the statistical confidence thresholds required to predict the impact of this variant on COL7A1 protein function. Studies have shown that this missense change results in the activation of a cryptic splice site in exon 3 (PMID: 15816848). In summary, the available evidence is currently insufficient to determine the role of this variant in disease. Therefore, it has been classified as a Variant of Uncertain Significance.

Literature cited by the submitters: PubMed 15816848 (cited by 3 submitters); PubMed 35690907 (cited by Myriad Genetics, Inc. and Natera, Inc.).